The following is an entry in ClinVar:

ClinVar aggregate classification (germline): Uncertain significance (1 of 4 stars; one submission).

Conditions:
Hereditary pancreatitis (PCTT). Also called: Hereditary chronic pancreatitis; PRSS1-Related Hereditary Pancreatitis. Identifiers: Orphanet 676, MedGen C0238339, MONDO:0008185, OMIM 167800.

gnomAD v4.1: 1 of 1,614,188 alleles (0.000062%); highest among the groups gnomAD compares: Middle Eastern, 0.016%; no homozygotes.

Submission:

Ambry Genetics
Classification: Uncertain significance for Hereditary pancreatitis. Last evaluated: 2025-08-08. Review status: criteria provided, single submitter. Criteria: Ambry Variant Classification Scheme 2023. Collection method: clinical testing. Allele origin: germline.
Comment: The p.C196R variant (also known as c.586T>C), located in coding exon 4 of the PRSS1 gene, results from a T to C substitution at nucleotide position 586. The cysteine at codon 196 is replaced by arginine, an amino acid with highly dissimilar properties. This amino acid position is conserved. In addition, this alteration is predicted to be deleterious by in silico analysis. Since supporting evidence is limited at this time, the clinical significance of this alteration remains unclear.

NM_002769.5(PRSS1):c.586T>C (p.Cys196Arg)

Genes: TRB (T cell receptor beta locus; plus strand), PRSS1 (serine protease 1; plus strand). Cytogenetic location: 7q34.
Variant type: single nucleotide variant.
Coding change: c.586T>C on transcript NM_002769.5 (MANE Select); coding-DNA position 586, T replaced by C.
Protein change: p.Cys196Arg; replaces cysteine 196 with arginine.
Molecular consequence: missense variant. On other transcripts: non-coding transcript variant (5).
Genome position (GRCh38, 1-based): chr7:142,752,562, T>C. VCF-style: chr7-142752562-T-C. GRCh37 (hg19) VCF-style: chr7-142460413-T-C.
Other names: short protein forms C196R.
Identifiers: ClinVar variation 2563188 (VCV002563188.3), dbSNP rs763907908, ClinGen allele CA369610493.
Genomic context (GRCh38, chr7:142,752,562, plus strand): 5'-CCTGGAAAGATTACCAGCAACATGTTCTGTGTGGGCTTCCTTGAGGGAGGCAAGGATTCA[T>C]GTCAGGTGATTTGACCAACCCTTCCCATGCTGAGGCTCCCACTGATACCTAGGCCCCACC-3'
Protein context (NP_002760.1, residues 186-206): VGFLEGGKDS[Cys196Arg]QGDSGGPVVC